The following is an entry in ClinVar:

NM_000264.5(PTCH1):c.1897A>G (p.Thr633Ala)

Genes: PTCH1 (patched 1; minus strand), LOC100507346 (uncharacterized LOC100507346; plus strand). Cytogenetic location: 9q22.32.
Variant type: single nucleotide variant.
Coding change: c.1897A>G on transcript NM_000264.5 (MANE Select); coding-DNA position 1897, A replaced by G.
Protein change: p.Thr633Ala; replaces threonine 633 with alanine.
Molecular consequence: missense variant. On other transcripts: non-coding transcript variant (2).
Genome position (GRCh38, 1-based): chr9:95,469,104, T>C on the plus strand (A>G on the coding strand, the complement: PTCH1 is on the minus strand). VCF-style: chr9-95469104-T-C. GRCh37 (hg19) VCF-style: chr9-98231386-T-C.
Other names: c.1699A>G, p.Thr567Ala (NM_001083602.3); c.1894A>G, p.Thr632Ala (NM_001083603.3); c.1444A>G, p.Thr482Ala (NM_001083604.3, NM_001083605.3, NM_001083606.3 and 1 more transcripts); c.1741A>G, p.Thr581Ala (NM_001354918.2); short protein forms T482A, T567A, T632A, T581A, T633A.
Identifiers: ClinVar variation 861446 (VCV000861446.14), dbSNP rs1840319889, ClinGen allele CA374116091.

ClinVar aggregate classification (germline): Uncertain significance. Review status: criteria provided, multiple submitters, no conflicts (2 of 4 stars). 4 submissions from 4 submitters: Uncertain significance (4). Last evaluated 2025-12-29.

Conditions:
Hereditary cancer-predisposing syndrome. Also called: Hereditary neoplastic syndrome; Tumor predisposition; Neoplastic Syndromes, Hereditary; Hereditary Cancer Syndrome. Identifiers: Orphanet 140162, MedGen C0027672, MeSH D009386, MONDO:0015356.
Gorlin syndrome. Also called: Nevoid Basal Cell Carcinoma Syndrome; Basal cell nevus syndrome. Identifiers: Orphanet 377, MedGen C0004779, MONDO:0007187.

Submissions (4):

Center for Genomic Medicine, Rigshospitalet, Copenhagen University Hospital
Classification: Uncertain significance. Last evaluated: 2025-12-29. Review status: criteria provided, single submitter. Criteria: ACMG Guidelines, 2015. Collection method: clinical testing. Allele origin: germline.

Labcorp Genetics (formerly Invitae), Labcorp
Classification: Uncertain significance for Gorlin syndrome. Last evaluated: 2025-07-16. Review status: criteria provided, single submitter. Criteria: Invitae Variant Classification Sherloc (09022015). Collection method: clinical testing. Allele origin: germline.
Comment: This sequence change replaces threonine, which is neutral and polar, with alanine, which is neutral and non-polar, at codon 633 of the PTCH1 protein (p.Thr633Ala). This variant is not present in population databases (gnomAD no frequency). This variant has not been reported in the literature in individuals affected with PTCH1-related conditions. ClinVar contains an entry for this variant (Variation ID: 861446). Invitae Evidence Modeling of protein sequence and biophysical properties (such as structural, functional, and spatial information, amino acid conservation, physicochemical variation, residue mobility, and thermodynamic stability) indicates that this missense variant is not expected to disrupt PTCH1 protein function with a negative predictive value of 95%. In summary, the available evidence is currently insufficient to determine the role of this variant in disease. Therefore, it has been classified as a Variant of Uncertain Significance.

ARUP Laboratories, Molecular Genetics and Genomics, ARUP Laboratories
Classification: Uncertain significance. Last evaluated: 2025-06-26. Review status: criteria provided, single submitter. Criteria: ARUP Molecular Germline Variant Investigation Process 2024. Collection method: clinical testing. Allele origin: germline.
Comment: The PTCH1 c.1897A>G; p.Thr633Ala variant (rs1840319889), to our knowledge, is not reported in the medical literature but is reported in ClinVar (Variation ID: 861446). This variant is absent from the Genome Aggregation Database (v2.1.1), indicating it is not a common polymorphism. Computational analyses are uncertain whether this variant is neutral or deleterious (REVEL: 0.233). Due to limited information, the clinical significance of this variant is uncertain at this time.

Ambry Genetics
Classification: Uncertain significance for Hereditary cancer-predisposing syndrome. Last evaluated: 2021-08-26. Review status: criteria provided, single submitter. Criteria: Ambry Variant Classification Scheme 2023. Collection method: clinical testing. Allele origin: germline.
Comment: The p.T633A variant (also known as c.1897A>G), located in coding exon 14 of the PTCH1 gene, results from an A to G substitution at nucleotide position 1897. The threonine at codon 633 is replaced by alanine, an amino acid with similar properties. This amino acid position is not well conserved in available vertebrate species. In addition, this alteration is predicted to be tolerated by in silico analysis. Since supporting evidence is limited at this time, the clinical significance of this alteration remains unclear.